The following is an entry in ClinVar:

NM_206933.4(USH2A):c.3251G>A (p.Trp1084Ter)

Genes: USH2A (usherin; minus strand), USH2A-AS1 (USH2A antisense RNA 1; plus strand). Cytogenetic location: 1q41.
Variant type: single nucleotide variant.
Coding change: c.3251G>A on transcript NM_206933.4 (MANE Select); coding-DNA position 3251, G replaced by A.
Protein change: p.Trp1084Ter; replaces tryptophan 1084 with a stop codon.
Molecular consequence: nonsense.
Genome position (GRCh38, 1-based): chr1:216,207,338, C>T on the plus strand (G>A on the coding strand, the complement: USH2A is on the minus strand). VCF-style: chr1-216207338-C-T. GRCh37 (hg19) VCF-style: chr1-216380680-C-T.
Other names: c.3251G>A, p.Trp1084Ter (NM_007123.6); short protein forms W1084*.
Identifiers: ClinVar variation 957389 (VCV000957389.12), dbSNP rs1363689100, ClinGen allele CA344862450.

ClinVar aggregate classification (germline): Pathogenic. Review status: criteria provided, multiple submitters, no conflicts (2 of 4 stars). 3 submissions from 3 submitters: Pathogenic (3). Last evaluated 2026-03-08.

Conditions:
USH2A-related disorder. Also called: USH2A-related disorders; USH2A-related condition. Identifiers: MedGen CN239332.
Retinitis pigmentosa 39 (RP39). Identifiers: Orphanet 791, MedGen C3151138, MONDO:0013436, OMIM 613809.

Allele frequency attached by ClinVar (database versions not stated): gnomAD exomes below 0.00001.
gnomAD v4.1: 2 of 1,613,954 alleles (0.00012%); highest among the groups gnomAD compares: Middle Eastern, 0.017%; no homozygotes.

Submissions (3):

Myriad Genetics, Inc.
Classification: Pathogenic for USH2A-related disorder. Last evaluated: 2026-03-08. Review status: criteria provided, single submitter. Criteria: Myriad Autosomal Dominant, Autosomal Recessive and X-Linked Classification Criteria (2023). Collection method: clinical testing. Allele origin: unknown.
Comment: NM_206933.2(USH2A):c.3251G>A(W1084*) is expected to be pathogenic in the context of USH2A-related disorders. This variant is predicted to lead to an abnormal or absent protein product due to the creation of a premature termination codon in USH2A, a gene where loss-of-function variants are known to be pathogenic. Please note: this variant was assessed in the context of healthy population screening.

Baylor Genetics
Classification: Pathogenic for Retinitis pigmentosa 39. Last evaluated: 2024-02-14. Review status: criteria provided, single submitter. Criteria: ACMG Guidelines, 2015. Collection method: clinical testing. Allele origin: unknown.

Labcorp Genetics (formerly Invitae), Labcorp
Classification: Pathogenic. Last evaluated: 2022-01-12. Review status: criteria provided, single submitter. Criteria: Invitae Variant Classification Sherloc (09022015). Collection method: clinical testing. Allele origin: germline.
Comment: For these reasons, this variant has been classified as Pathogenic. Algorithms developed to predict the effect of sequence changes on RNA splicing suggest that this variant may create or strengthen a splice site. ClinVar contains an entry for this variant (Variation ID: 957389). This premature translational stop signal has been observed in individual(s) with Usher syndrome (PMID: 27460420). This variant is present in population databases (no rsID available, gnomAD no frequency). This sequence change creates a premature translational stop signal (p.Trp1084*) in the USH2A gene. It is expected to result in an absent or disrupted protein product. Loss-of-function variants in USH2A are known to be pathogenic (PMID: 10729113, 10909849, 20507924, 25649381).

Literature cited by the submitters: PubMed 27460420 (cited by Labcorp Genetics (formerly Invitae), Labcorp); PubMed 10729113 (cited by Labcorp Genetics (formerly Invitae), Labcorp); PubMed 10909849 (cited by Labcorp Genetics (formerly Invitae), Labcorp); PubMed 20507924 (cited by Labcorp Genetics (formerly Invitae), Labcorp); PubMed 25649381 (cited by Labcorp Genetics (formerly Invitae), Labcorp).